The following is an entry in ClinVar:

ClinVar aggregate classification (germline): Benign (1 of 4 stars; one submission).

Conditions:
Familial cancer of breast. Also called: hereditary breast carcinoma; BREAST CANCER, FAMILIAL; Hereditary breast cancer. Identifiers: Orphanet 227535, MedGen C0346153, MONDO:0016419, OMIM 114480. Disease mechanism: loss of function.

Allele frequency attached by ClinVar (database versions not stated): gnomAD exomes below 0.00001.
gnomAD v4.1: 1 of 1,614,166 alleles (0.000062%); highest among the groups gnomAD compares: Non-Finnish European, 0.000085%; no homozygotes.

Submission:

Myriad Genetics, Inc.
Classification: Benign for Familial cancer of breast. Last evaluated: 2024-06-06. Review status: criteria provided, single submitter. Criteria: Myriad Autosomal Dominant, Autosomal Recessive and X-Linked Classification Criteria (2023). Collection method: clinical testing. Allele origin: unknown.
Comment: This variant is considered benign. This variant is a silent/synonymous amino acid change and it is not expected to impact splicing.

NM_000051.4(ATM):c.6489T>C (p.Leu2163=)

Genes: ATM (ATM serine/threonine kinase; plus strand), C11orf65 (chromosome 11 open reading frame 65; minus strand). Cytogenetic location: 11q22.3.
Variant type: single nucleotide variant.
Coding change: c.6489T>C on transcript NM_000051.4 (MANE Select); coding-DNA position 6489, T replaced by C.
Protein change: p.Leu2163=; no amino-acid change (leucine 2163 retained).
Molecular consequence: synonymous variant. On other transcripts: intron variant (2).
Genome position (GRCh38, 1-based): chr11:108,321,337, T>C. VCF-style: chr11-108321337-T-C. GRCh37 (hg19) VCF-style: chr11-108192064-T-C.
Other names: c.6489T>C, p.Leu2163= (NM_001351834.2); c.641-12266A>G (NM_001330368.2); c.*39-12266A>G (NM_001351110.2).
Identifiers: ClinVar variation 3253870 (VCV003253870.1), dbSNP rs2136239559.